The following is an entry in ClinVar:

NM_003803.4(MYOM1):c.532A>C (p.Ile178Leu)

Gene: MYOM1 (myomesin 1; minus strand). Cytogenetic location: 18p11.31.
Variant type: single nucleotide variant.
Coding change: c.532A>C on transcript NM_003803.4 (MANE Select); coding-DNA position 532, A replaced by C.
Protein change: p.Ile178Leu; replaces isoleucine 178 with leucine.
Molecular consequence: missense variant.
Genome position (GRCh38, 1-based): chr18:3,188,987, T>G on the plus strand (A>C on the coding strand, the complement: MYOM1 is on the minus strand). VCF-style: chr18-3188987-T-G. GRCh37 (hg19) VCF-style: chr18-3188985-T-G.
Other names: c.532A>C, p.Ile178Leu (NM_019856.2); short protein forms I178L.
Identifiers: ClinVar variation 3627262 (VCV003627262.2).
Genomic context (GRCh38, chr18:3,188,987, plus strand): 5'-CCGTGGACTGCTTAGATGCCGTGGTCTGCTTGGATGCCGTGGACTGTTTAGATGTTGTGA[T>G]TCCTTCCTCACTAGCAAGAAGATTCCTCTGGGCTATATAAGCAGCAGCTTCTTTAATTCT-3'
Protein context (NP_003794.3, residues 168-188): QRNLLASEEG[Ile178Leu]TTSKQSTASK

ClinVar aggregate classification (germline): Uncertain significance (1 of 4 stars; one submission).

Conditions:
Hypertrophic cardiomyopathy. Also called: HYPERTROPHIC MYOCARDIOPATHY. Identifiers: Orphanet 217569, MedGen C0007194, MeSH D002312, MONDO:0005045, HP:0001639.

Submission:

Labcorp Genetics (formerly Invitae), Labcorp
Classification: Uncertain significance for Hypertrophic cardiomyopathy. Last evaluated: 2024-06-02. Review status: criteria provided, single submitter. Criteria: Invitae Variant Classification Sherloc (09022015). Collection method: clinical testing. Allele origin: germline.
Comment: This sequence change replaces isoleucine, which is neutral and non-polar, with leucine, which is neutral and non-polar, at codon 178 of the MYOM1 protein (p.Ile178Leu). This variant is not present in population databases (gnomAD no frequency). This variant has not been reported in the literature in individuals affected with MYOM1-related conditions. Algorithms developed to predict the effect of missense changes on protein structure and function output the following: SIFT: "Not Available"; PolyPhen-2: "Benign"; Align-GVGD: "Not Available". The leucine amino acid residue is found in multiple mammalian species, which suggests that this missense change does not adversely affect protein function. In summary, the available evidence is currently insufficient to determine the role of this variant in disease. Therefore, it has been classified as a Variant of Uncertain Significance.